The following is an entry in ClinVar:

NM_002526.4(NT5E):c.1207A>C (p.Asn403His)

Gene: NT5E (5'-nucleotidase ecto; plus strand). Cytogenetic location: 6q14.3.
Variant type: single nucleotide variant.
Coding change: c.1207A>C on transcript NM_002526.4 (MANE Select); coding-DNA position 1207, A replaced by C.
Protein change: p.Asn403His; replaces asparagine 403 with histidine.
Molecular consequence: missense variant.
Genome position (GRCh38, 1-based): chr6:85,489,596, A>C. VCF-style: chr6-85489596-A-C. GRCh37 (hg19) VCF-style: chr6-86199314-A-C.
Other names: c.1207A>C, p.Asn403His (NM_001204813.2); short protein forms N403H.
Identifiers: ClinVar variation 738423 (VCV000738423.6), dbSNP rs138876213, ClinGen allele CA3911531.

ClinVar aggregate classification (germline): Likely benign. Review status: criteria provided, single submitter (1 of 4 stars). 2 submissions from 2 submitters: Likely benign (1). 1 of the submissions does not count toward it. Last evaluated 2019-12-31.

Conditions:
NT5E-related disorder. Also called: NT5E-related condition.

Allele frequency attached by ClinVar (database versions not stated): gnomAD exomes 0.00023 and 0.00051; ExAC 0.00060; gnomAD 0.00247 and 0.00260; 1000 Genomes Project 30x 0.00250; 1000 Genomes Project 0.00260; TOPMed 0.00266; ESP Exome Variant Server 0.00284.
gnomAD v4.1: 714 of 1,608,472 alleles (0.044%); highest among the groups gnomAD compares: African/African-American, 0.88%; 4 homozygotes.

Submissions (2):

Labcorp Genetics (formerly Invitae), Labcorp
Classification: Likely benign. Last evaluated: 2019-12-31. Review status: criteria provided, single submitter. Criteria: Invitae Variant Classification Sherloc (09022015). Collection method: clinical testing. Allele origin: germline.

PreventionGenetics, part of Exact Sciences
Classification: Benign for NT5E-related condition. Last evaluated: 2024-09-23. Review status: no assertion criteria provided. Collection method: clinical testing. Allele origin: germline. Not counted in ClinVar's aggregate classification.
Comment: This variant is classified as benign based on ACMG/AMP sequence variant interpretation guidelines (Richards et al. 2015 PMID: 25741868, with internal and published modifications).